The following is an entry in ClinVar:

NC_000011.9:g.(?_111957632)_(111958717_?)del

Gene: SDHD (succinate dehydrogenase complex subunit D; plus strand). Cytogenetic location: 11q23.1.
Variant type: Deletion.
Identifiers: ClinVar variation 3244617 (VCV003244617.1).

ClinVar aggregate classification (germline): Pathogenic (1 of 4 stars; one submission).

Conditions:
Pheochromocytoma. Also called: MAX-Related Hereditary Paraganglioma-Pheochromocytoma Syndrome. Identifiers: Orphanet 29072, MedGen C0031511, MONDO:0008233, OMIM 171300, HP:0002666.
Paragangliomas with sensorineural hearing loss. Identifiers: MedGen C1868633.
Cowden syndrome 3 (CWS3). Identifiers: Orphanet 201, MedGen CN166604, MONDO:0014045.
Carney-Stratakis syndrome. Also called: PARAGANGLIOMA AND GASTROINTESTINAL STROMAL TUMOR. Identifiers: Orphanet 97286, MedGen C1847319, MONDO:0011740, OMIM 606864.

Submission:

Labcorp Genetics (formerly Invitae), Labcorp
Classification: Pathogenic for Carney-Stratakis syndrome; Paragangliomas with sensorineural hearing loss; Pheochromocytoma; Cowden syndrome 3. Last evaluated: 2022-11-25. Review status: criteria provided, single submitter. Criteria: Invitae Variant Classification Sherloc (09022015). Collection method: clinical testing. Allele origin: unknown.
Comment: For these reasons, this variant has been classified as Pathogenic. A similar copy number variant has been observed in individual(s) with head and neck paragangliomas (HNPGL) (PMID: 19351833; Invitae). This variant is a gross deletion of the genomic region encompassing exon(s) 1-2 of the SDHD gene, which includes the initiator codon. This deletion extends beyond the assayed region for this gene and therefore may encompass additional genes. It is expected to result in an absent or disrupted protein product. Loss-of-function variants in SDHD are known to be pathogenic (PMID: 19454582, 19802898).

Literature cited by the submitters: PubMed 19351833; PubMed 19454582; PubMed 19802898.